The following is an entry in ClinVar:

ClinVar aggregate classification (germline): Uncertain significance (1 of 4 stars; one submission).

Allele frequency attached by ClinVar (database versions not stated): TOPMed below 0.00001; gnomAD 0.00001; gnomAD exomes 0.00001.
gnomAD v4.1: 14 of 1,612,586 alleles (0.00087%); highest among the groups gnomAD compares: Non-Finnish European, 0.0012%; no homozygotes.

Submission:

Labcorp Genetics (formerly Invitae), Labcorp
Classification: Uncertain significance. Last evaluated: 2021-04-29. Review status: criteria provided, single submitter. Criteria: Invitae Variant Classification Sherloc (09022015). Collection method: clinical testing. Allele origin: germline.
Comment: This sequence change falls in intron 2 of the CFAP410 gene. It does not directly change the encoded amino acid sequence of the CFAP410 protein. It affects a nucleotide within the consensus splice site of the intron. This variant is not present in population databases (ExAC no frequency). This variant has not been reported in the literature in individuals with CFAP410-related conditions. Nucleotide substitutions within the consensus splice site are a relatively common cause of aberrant splicing (PMID: 17576681, 9536098). Algorithms developed to predict the effect of sequence changes on RNA splicing suggest that this variant may disrupt the consensus splice site, but this prediction has not been confirmed by published transcriptional studies. In summary, the available evidence is currently insufficient to determine the role of this variant in disease. Therefore, it has been classified as a Variant of Uncertain Significance.

Literature cited by the submitters: PubMed 17576681; PubMed 9536098.

NM_004928.3(CFAP410):c.96+4A>C

Gene: CFAP410 (cilia and flagella associated protein 410; minus strand). Cytogenetic location: 21q22.3.
Variant type: single nucleotide variant.
Coding change: c.96+4A>C on transcript NM_004928.3 (MANE Select); 4 bases into the intron after coding-DNA position 96, A replaced by C.
Molecular consequence: intron variant.
Genome position (GRCh38, 1-based): chr21:44,337,645, T>G on the plus strand (A>C on the coding strand, the complement: CFAP410 is on the minus strand). VCF-style: chr21-44337645-T-G. GRCh37 (hg19) VCF-style: chr21-45757528-T-G.
Other names: c.96+4A>C (NM_001271440.2, NM_001271441.2); c.-116+4A>C (NM_001271442.1).
Identifiers: ClinVar variation 1522912 (VCV001522912.6), dbSNP rs1360945558, ClinGen allele CA638120127.